The following is an entry in ClinVar:

NM_001127392.3(MYRF):c.1948A>T (p.Lys650Ter)

Gene: MYRF (myelin regulatory factor; plus strand). Cytogenetic location: 11q12.2.
Variant type: single nucleotide variant.
Coding change: c.1948A>T on transcript NM_001127392.3 (MANE Select); coding-DNA position 1948, A replaced by T.
Protein change: p.Lys650Ter; replaces lysine 650 with a stop codon.
Molecular consequence: nonsense.
Genome position (GRCh38, 1-based): chr11:61,778,424, A>T. VCF-style: chr11-61778424-A-T. GRCh37 (hg19) VCF-style: chr11-61545896-A-T.
Other names: c.1921A>T, p.Lys641Ter (NM_013279.4); short protein forms K641*, K650*.
Identifiers: ClinVar variation 3346708 (VCV003346708.1).

ClinVar aggregate classification (germline): Pathogenic (0 of 4 stars; one submission).

Conditions:
MYRF-related disorder. Also called: MYRF-related condition; MYRF-related disorders.

Submission:

PreventionGenetics, part of Exact Sciences
Classification: Pathogenic for MYRF-related condition. Last evaluated: 2024-05-23. Review status: no assertion criteria provided. Collection method: clinical testing. Allele origin: germline.
Comment: The MYRF c.1948A>T variant is predicted to result in premature protein termination (p.Lys650*). To our knowledge, this variant has not been reported in the literature or in a large population database, indicating this variant is rare. Nonsense variants in MYRF are expected to be pathogenic. This variant is interpreted as pathogenic.